The following is an entry in ClinVar:

ClinVar aggregate classification (germline): Likely benign (1 of 4 stars; one submission).

Submission:

CeGaT Center for Human Genetics Tuebingen
Classification: Likely benign. Last evaluated: 2026-06-01. Review status: criteria provided, single submitter. Criteria: CeGaT Center For Human Genetics Tuebingen Variant Classification Criteria Version 2. Collection method: clinical testing. Allele origin: germline. Affected: yes. Observed: 2 variant alleles.
Comment: ZBTB47: BS2

NM_145166.4(ZBTB47):c.852GGA[3] (p.Glu293_Glu294del)

Gene: ZBTB47 (zinc finger and BTB domain containing 47; plus strand). Cytogenetic location: 3p22.1.
Variant type: Microsatellite.
Coding change: c.852GGA[3] on transcript NM_145166.4 (MANE Select); three copies in a row of the 3-base unit GGA starting at c.852; the reference has five copies in a row; two copies, 6 bases deleted.
Protein change: p.Glu293_Glu294del.
Genome position (GRCh38, 1-based): chr3:42,659,216-42,659,221, GGAGGA deleted; deleting any 6 consecutive bases within chr3:42,659,205-42,659,221 gives the same sequence; the position shown is the placement nearest the transcript's 3' end. VCF-style (leftmost placement, unchanged base first): chr3-42659204-CGAGGAG-C. GRCh37 (hg19) VCF-style: chr3-42700696-CGAGGAG-C.
Other names: c.936GGA[3], p.Glu321_Glu322del (NM_001410746.1).
Identifiers: ClinVar variation 4084018 (VCV004084018.8).